The following is an entry in ClinVar:

NM_201384.3(PLEC):c.13194C>T (p.Ile4398=)

Gene: PLEC (plectin; minus strand). Cytogenetic location: 8q24.3.
Variant type: single nucleotide variant.
Coding change: c.13194C>T on transcript NM_201384.3 (MANE Select); coding-DNA position 13194, C replaced by T.
Protein change: p.Ile4398=; no amino-acid change (isoleucine 4398 retained).
Molecular consequence: synonymous variant.
Genome position (GRCh38, 1-based): chr8:143,916,627, G>A on the plus strand (C>T on the coding strand, the complement: PLEC is on the minus strand). VCF-style: chr8-143916627-G-A. GRCh37 (hg19) VCF-style: chr8-144990795-G-A.
Other names: c.13275C>T (NM_000445.4); c.13275C>T, p.Ile4425= (NM_000445.5); c.13152C>T, p.Ile4384= (NM_201378.4); c.13128C>T, p.Ile4376= (NM_201379.3); c.13605C>T, p.Ile4535= (NM_201380.4); c.13098C>T, p.Ile4366= (NM_201381.3); c.13194C>T, p.Ile4398= (NM_201382.4); c.13206C>T, p.Ile4402= (NM_201383.3).
Identifiers: ClinVar variation 1109810 (VCV001109810.23), dbSNP rs550089108, ClinGen allele CA4923890.
Genomic context (GRCh38, chr8:143,916,627, plus strand): 5'-GTCCACCGTGCCGCGCTGCAGGGCCTCGTCCAGGGGCACGCGGCCCGGCGTGTCGGGCTC[G>A]ATCAAGCCGCCGGTCAGGTACTGCACCTCCAGGAAGCGCTGGCCGGCCTCGTAGTAGAGC-3'
Protein context (NP_958786.1, residues 4388-4408): LEVQYLTGGL[Ile4398=]EPDTPGRVPL

ClinVar aggregate classification (germline): Likely benign. Review status: criteria provided, multiple submitters, no conflicts (2 of 4 stars). 3 submissions from 3 submitters: Likely benign (2). 1 of the submissions does not count toward it. Last evaluated 2025-06-06.

Conditions:
Epidermolysis bullosa simplex, Ogna type (EBS5A). Also called: Pidermolysis bullosa simplex 5A, Ogna type; EPIDERMOLYSIS BULLOSA SIMPLEX 5A, OGNA TYPE. Identifiers: Orphanet 79401, MedGen C0432317, MONDO:0007555, OMIM 131950.
Autosomal recessive limb-girdle muscular dystrophy type 2Q (LGMDR17). Also called: MUSCULAR DYSTROPHY, LIMB-GIRDLE, AUTOSOMAL RECESSIVE 17. Identifiers: Orphanet 254361, MedGen C3150989, MONDO:0013390, OMIM 613723.
Epidermolysis bullosa simplex with nail dystrophy (EBS5D). Identifiers: MedGen C4225309, MONDO:0014661, OMIM 616487.
Epidermolysis bullosa simplex 5C, with pyloric atresia (EBS5C). Also called: PLEC1-Related Epidermolysis Bullosa with Pyloric Atresia; PLEC-Related Epidermolysis Bullosa with Pyloric Atresia; Epidermolysis bullosa simplex with pyloric atresia. Identifiers: Orphanet 158684, MedGen C2677349, MONDO:0012807, OMIM 612138.
Epidermolysis bullosa simplex 5B, with muscular dystrophy (EBS5B). Also called: Epidermolysis bullosa simplex with muscular dystrophy; EPIDERMOLYSIS BULLOSA SIMPLEX AND LIMB-GIRDLE MUSCULAR DYSTROPHY. Identifiers: Orphanet 257, MedGen C2931072, MONDO:0009181, OMIM 226670.
PLEC-related disorder. Also called: PLEC-related condition; PLEC-related disorders.

Allele frequency attached by ClinVar (database versions not stated): gnomAD 0.00001; ExAC 0.00004.
gnomAD v4.1: 29 of 1,609,918 alleles (0.0018%); highest among the groups gnomAD compares: Middle Eastern, 0.016%; no homozygotes.

Submissions (3):

Labcorp Genetics (formerly Invitae), Labcorp
Classification: Likely benign for Autosomal recessive limb-girdle muscular dystrophy type 2Q; Epidermolysis bullosa simplex, Ogna type; Epidermolysis bullosa simplex with nail dystrophy; Epidermolysis bullosa simplex 5C, with pyloric atresia; Epidermolysis bullosa simplex 5B, with muscular dystrophy. Last evaluated: 2025-06-06. Review status: criteria provided, single submitter. Criteria: Invitae Variant Classification Sherloc (09022015). Collection method: clinical testing. Allele origin: germline.

CeGaT Center for Human Genetics Tuebingen
Classification: Likely benign. Last evaluated: 2025-05-01. Review status: criteria provided, single submitter. Criteria: CeGaT Center For Human Genetics Tuebingen Variant Classification Criteria Version 2. Collection method: clinical testing. Allele origin: germline. Affected: yes. Observed: 1 variant allele.
Comment: PLEC: BP4, BP7

PreventionGenetics, part of Exact Sciences
Classification: Likely benign for PLEC-related condition. Last evaluated: 2024-07-15. Review status: no assertion criteria provided. Collection method: clinical testing. Allele origin: germline. Not counted in ClinVar's aggregate classification.
Comment: This variant is classified as likely benign based on ACMG/AMP sequence variant interpretation guidelines (Richards et al. 2015 PMID: 25741868, with internal and published modifications).